The following is an entry in ClinVar:

ClinVar aggregate classification (germline): Uncertain significance (1 of 4 stars; one submission).

Conditions:
Oculodentodigital dysplasia, autosomal recessive. Also called: OCULODENTOOSSEOUS DYSPLASIA, AUTOSOMAL RECESSIVE; ODDD, AUTOSOMAL RECESSIVE; ODOD, AUTOSOMAL RECESSIVE. Identifiers: Orphanet 2710, MedGen C2749477, MONDO:0009768, OMIM 257850.

Submission:

Labcorp Genetics (formerly Invitae), Labcorp
Classification: Uncertain significance for Oculodentodigital dysplasia, autosomal recessive. Last evaluated: 2022-11-06. Review status: criteria provided, single submitter. Criteria: Invitae Variant Classification Sherloc (09022015). Collection method: clinical testing. Allele origin: germline.
Comment: This variant, c.850_852del, results in the deletion of 1 amino acid(s) of the GJA1 protein (p.Pro284del), but otherwise preserves the integrity of the reading frame. This variant is not present in population databases (gnomAD no frequency). This variant has not been reported in the literature in individuals affected with GJA1-related conditions. Experimental studies and prediction algorithms are not available or were not evaluated, and the functional significance of this variant is currently unknown. In summary, the available evidence is currently insufficient to determine the role of this variant in disease. Therefore, it has been classified as a Variant of Uncertain Significance.

NM_000165.5(GJA1):c.847CCT[1] (p.Pro284del)

Gene: GJA1 (gap junction protein alpha 1; plus strand). Cytogenetic location: 6q22.31.
Variant type: Microsatellite.
Coding change: c.847CCT[1] on transcript NM_000165.5 (MANE Select); one copy of the 3-base unit CCT starting at c.847; the reference has two copies in a row; one copy, 3 bases deleted.
Protein change: p.Pro284del; deletes proline 284.
Molecular consequence: inframe deletion.
Genome position (GRCh38, 1-based): chr6:121,447,697-121,447,699, CCT deleted; deleting any 3 consecutive bases within chr6:121,447,692-121,447,699 gives the same sequence; the position shown is the placement nearest the transcript's 3' end. VCF-style (leftmost placement, unchanged base first): chr6-121447691-TCTC-T. GRCh37 (hg19) VCF-style: chr6-121768837-TCTC-T.
Other names: short protein forms P284del.
Identifiers: ClinVar variation 2812389 (VCV002812389.3), dbSNP rs2536822716, ClinGen allele CA2739266062.